The following is an entry in ClinVar:

ClinVar aggregate classification (germline): Uncertain significance (1 of 4 stars; one submission).

Conditions:
Cohen syndrome (COH1). Also called: Cutis verticis gyrata, retinitis pigmentosa, and sensorineural deafness; PEPPER SYNDROME. Identifiers: Orphanet 193, MedGen C0265223, MONDO:0008999, OMIM 216550.

Submission:

Labcorp Genetics (formerly Invitae), Labcorp
Classification: Uncertain significance for Cohen syndrome. Last evaluated: 2024-02-17. Review status: criteria provided, single submitter. Criteria: Invitae Variant Classification Sherloc (09022015). Collection method: clinical testing. Allele origin: germline.
Comment: This sequence change affects codon 3823 of the VPS13B mRNA. It is a 'silent' change, meaning that it does not change the encoded amino acid sequence of the VPS13B protein. This variant also falls at the last nucleotide of exon 59, which is part of the consensus splice site for this exon. This variant is not present in population databases (gnomAD no frequency). This variant has not been reported in the literature in individuals affected with VPS13B-related conditions. ClinVar contains an entry for this variant (Variation ID: 2164846). An algorithm developed to predict the effect of missense changes on protein structure and function (PolyPhen-2) suggests that this variant is likely to be disruptive. Variants that disrupt the consensus splice site are a relatively common cause of aberrant splicing (PMID: 17576681, 9536098). In summary, the available evidence is currently insufficient to determine the role of this variant in disease. Therefore, it has been classified as a Variant of Uncertain Significance.

Literature cited by the submitters: PubMed 17576681; PubMed 9536098.

NM_152564.5(VPS13B):c.11392G>A (p.Gly3798Ser)

Gene: VPS13B (vacuolar protein sorting 13 homolog B; plus strand). Cytogenetic location: 8q22.2.
Variant type: single nucleotide variant.
Coding change: c.11392G>A on transcript NM_152564.5 (MANE Select); coding-DNA position 11392, G replaced by A.
Protein change: p.Gly3798Ser; replaces glycine 3798 with serine.
Molecular consequence: missense variant.
Genome position (GRCh38, 1-based): chr8:99,868,465, G>A. VCF-style: chr8-99868465-G-A. GRCh37 (hg19) VCF-style: chr8-100880693-G-A.
Other names: c.11467G>A, p.Gly3823Ser (NM_017890.5); short protein forms G3823S, G3798S.
Identifiers: ClinVar variation 2164846 (VCV002164846.4), dbSNP rs2492347716, ClinGen allele CA371792545.